The following is an entry in ClinVar:

NM_000316.3(PTH1R):c.283A>G (p.Lys95Glu)

Gene: PTH1R (parathyroid hormone 1 receptor; plus strand). Cytogenetic location: 3p21.31.
Variant type: single nucleotide variant.
Coding change: c.283A>G on transcript NM_000316.3 (MANE Select); coding-DNA position 283, A replaced by G.
Protein change: p.Lys95Glu; replaces lysine 95 with glutamic acid.
Molecular consequence: missense variant.
Genome position (GRCh38, 1-based): chr3:46,895,839, A>G. VCF-style: chr3-46895839-A-G. GRCh37 (hg19) VCF-style: chr3-46937329-A-G.
Other names: c.283A>G, p.Lys95Glu (NM_001184744.1); short protein forms K95E.
Identifiers: ClinVar variation 2801990 (VCV002801990.3), dbSNP rs1366330183, ClinGen allele CA352492202.

ClinVar aggregate classification (germline): Uncertain significance (1 of 4 stars; one submission).

Allele frequency attached by ClinVar (database versions not stated): TOPMed below 0.00001; gnomAD exomes 0.00001.
gnomAD v4.1: 3 of 1,613,796 alleles (0.00019%); highest among the groups gnomAD compares: Admixed American, 0.005%; no homozygotes.

Submission:

Labcorp Genetics (formerly Invitae), Labcorp
Classification: Uncertain significance. Last evaluated: 2023-09-21. Review status: criteria provided, single submitter. Criteria: Invitae Variant Classification Sherloc (09022015). Collection method: clinical testing. Allele origin: germline.
Comment: This variant has not been reported in the literature in individuals affected with PTH1R-related conditions. This sequence change replaces lysine, which is basic and polar, with glutamic acid, which is acidic and polar, at codon 95 of the PTH1R protein (p.Lys95Glu). This variant is present in population databases (no rsID available, gnomAD 0.006%). An algorithm developed to predict the effect of missense changes on protein structure and function (PolyPhen-2) suggests that this variant is likely to be tolerated. In summary, the available evidence is currently insufficient to determine the role of this variant in disease. Therefore, it has been classified as a Variant of Uncertain Significance.